The following is an entry in ClinVar:

ClinVar aggregate classification (germline): Likely benign (1 of 4 stars; one submission).

Conditions:
CACNA1D-related disorder.

gnomAD v4.1: 245 of 1,542,636 alleles (0.016%); highest among the groups gnomAD compares: Non-Finnish European, 0.021%; no homozygotes.

Submission:

PreventionGenetics, part of Exact Sciences
Classification: Likely benign for CACNA1D-related condition. Last evaluated: 2025-10-01. Review status: criteria provided, single submitter. Criteria: ACMG Guidelines, 2015. Collection method: clinical testing. Allele origin: germline.
Comment: This variant is classified as likely benign based on ACMG/AMP sequence variant interpretation guidelines (Richards et al. 2015 PMID: 25741868, with internal and published modifications).

NM_001128840.3(CACNA1D):c.*8C>G

Gene: CACNA1D (calcium voltage-gated channel subunit alpha1 D; plus strand). Cytogenetic location: 3p21.1.
Variant type: single nucleotide variant.
Coding change: c.*8C>G on transcript NM_001128840.3 (MANE Select); 8 bases downstream of the stop codon, C replaced by G.
Molecular consequence: 3 prime UTR variant.
Genome position (GRCh38, 1-based): chr3:53,811,414, C>G. VCF-style: chr3-53811414-C-G. GRCh37 (hg19) VCF-style: chr3-53845441-C-G.
Other names: c.*8C>G (NM_000720.4, NM_001128839.3).
Identifiers: ClinVar variation 4977930 (VCV004977930.1).